The following is an entry in ClinVar:

NM_017671.5(FERMT1):c.255T>A (p.Asp85Glu)

Gene: FERMT1 (FERM domain containing kindlin 1; minus strand). Cytogenetic location: 20p12.3.
Variant type: single nucleotide variant.
Coding change: c.255T>A on transcript NM_017671.5 (MANE Select); coding-DNA position 255, T replaced by A.
Protein change: p.Asp85Glu; replaces aspartic acid 85 with glutamic acid.
Molecular consequence: missense variant.
Genome position (GRCh38, 1-based): chr20:6,115,941, A>T on the plus strand (T>A on the coding strand, the complement: FERMT1 is on the minus strand). VCF-style: chr20-6115941-A-T. GRCh37 (hg19) VCF-style: chr20-6096588-A-T.
Other names: short protein forms D85E.
Identifiers: ClinVar variation 1508812 (VCV001508812.6), dbSNP rs368160547, ClinGen allele CA9758506.

ClinVar aggregate classification (germline): Uncertain significance (1 of 4 stars; one submission).

Allele frequency attached by ClinVar (database versions not stated): ESP Exome Variant Server 0.00008.
gnomAD v4.1: 12 of 1,614,078 alleles (0.00074%); highest among the groups gnomAD compares: Non-Finnish European, 0.001%; no homozygotes.

Submission:

Labcorp Genetics (formerly Invitae), Labcorp
Classification: Uncertain significance. Last evaluated: 2022-01-13. Review status: criteria provided, single submitter. Criteria: Invitae Variant Classification Sherloc (09022015). Collection method: clinical testing. Allele origin: germline.
Comment: This sequence change replaces aspartic acid, which is acidic and polar, with glutamic acid, which is acidic and polar, at codon 85 of the FERMT1 protein (p.Asp85Glu). This variant is present in population databases (rs368160547, gnomAD 0.004%). This variant has not been reported in the literature in individuals affected with FERMT1-related conditions. Algorithms developed to predict the effect of missense changes on protein structure and function are either unavailable or do not agree on the potential impact of this missense change (SIFT: "Tolerated"; PolyPhen-2: "Possibly Damaging"; Align-GVGD: "Class C0"). In summary, the available evidence is currently insufficient to determine the role of this variant in disease. Therefore, it has been classified as a Variant of Uncertain Significance.